The following is an entry in ClinVar:

ClinVar aggregate classification (germline): Pathogenic. Review status: reviewed by expert panel (3 of 4 stars). 3 submissions from 3 submitters: Pathogenic (1). 2 of the submissions do not count toward it. Last evaluated 2026-09-26.

Conditions:
RPGR-related retinopathy. Also called: RPGR retinopathy. Identifiers: MedGen CN305589, MONDO:0100437.
Retinitis pigmentosa (RP). Identifiers: Orphanet 791, MedGen C0035334, MeSH D012174, MONDO:0019200, OMIM 268000. Inheritance: Autosomal dominant, autosomal recessive and X linked inheritance.

Submissions (3):

ClinGen X-linked Inherited Retinal Disease Variant Curation Expert Panel, ClinGen
Classification: Pathogenic for RPGR-related retinopathy. Last evaluated: 2026-09-26. Review status: reviewed by expert panel. Criteria: ClinGen X LinkedIRD ACMG Specifications RPGR V1.0.0. Collection method: curation. Allele origin: germline. Inheritance: X-linked inheritance.
Comment: The NM_001034853.2(RPGR):c.935-1G>T variant is a canonical splice site variant in intron 8, located 1 nucleotide before exon 9. This variant occurs at a canonical splice site in intron 8 and is predicted to disrupt splicing and induce skipping of exon 9, which is expected to disrupt a critical functional domain in RPGR (PVS1). This variant is absent from hemizygous individuals in gnomAD v4.1.0 (PM2_Supporting). The variant has been reported to segregate with retinal dystrophy in two male patients from the same family who are assumed to be brothers. (PP1; PMID: 2531858). This variant has been reported in at least 1 proband meeting the PS4 requirement of a male with some functional vision impairment by age 30 and/or decreased or absent ERG responses, or a female with functional visual abnormality and documentation of a male relative affected with retinitis pigmentosa (PMID: 32531858). PS4_Supporting requires at least 2 unrelated probands, so this criterion was not met. In summary, this variant is classified as pathogenic for RPGR-related retinopathy based on the ClinGen X-linked Inherited Retinal Disease Expert Panel Specifications to the ACMG/AMP Variant Interpretation Guidelines for RPGR Version 1.0.0: PVS1, PM2_Supporting, and PP1.

Molecular Genetics Laboratory, Institute for Ophthalmic Research
Classification: Pathogenic for Retinitis pigmentosa. Last evaluated: 2020-01-09. Review status: criteria provided, single submitter. Criteria: ACMG Guidelines, 2015. Collection method: research. Allele origin: germline. Affected: yes. Not counted in ClinVar's aggregate classification.

CeGaT Center for Human Genetics Tuebingen
Classification: Pathogenic. Last evaluated: 2017-11-01. Review status: criteria provided, single submitter. Criteria: CeGaT Center For Human Genetics Tuebingen Variant Classification Criteria Version 2. Collection method: clinical testing. Allele origin: germline. Affected: yes. Observed: 2 variant alleles. Not counted in ClinVar's aggregate classification.

NM_001034853.2(RPGR):c.935-1G>T

Gene: RPGR (retinitis pigmentosa GTPase regulator; minus strand). Cytogenetic location: Xp11.4.
Variant type: single nucleotide variant.
Coding change: c.935-1G>T on transcript NM_001034853.2 (MANE Select); the canonical splice acceptor site of the intron before coding-DNA position 935, G replaced by T.
Molecular consequence: splice acceptor variant.
Genome position (GRCh38, 1-based): chrX:38,301,372, C>A on the plus strand (G>T on the coding strand, the complement: RPGR is on the minus strand). VCF-style: chrX-38301372-C-A. GRCh37 (hg19) VCF-style: chrX-38160625-C-A.
Other names: c.932-1G>T (NM_001367249.1, NM_001367250.1, NM_001367245.1); c.935-1G>T (NM_001367251.1, NM_001367246.1, NM_001367247.1 and 1 more transcripts); c.965-1G>T (NM_001367248.1).
Identifiers: ClinVar variation 813231 (VCV000813231.42), dbSNP rs2067498051, ClinGen allele CA412740500.
Genomic context (GRCh38, chrX:38,301,372, plus strand): 5'-CCAGTCCAAGTCCTAATTTTCCGTGGCGACCATCTCCAAAAGTATACATAAGGCCGATAT[C>A]TAAAATGCAAAAATAATGAAGAGAATTATAAAAGTGTTACTTGTATGGATCTATTTGTAA-3'